The following is an entry in ClinVar:

NM_014889.4(PITRM1):c.2647C>T (p.Leu883Phe)

Gene: PITRM1 (pitrilysin metallopeptidase 1; minus strand). Cytogenetic location: 10p15.2.
Variant type: single nucleotide variant.
Coding change: c.2647C>T on transcript NM_014889.4 (MANE Select); coding-DNA position 2647, C replaced by T.
Protein change: p.Leu883Phe; replaces leucine 883 with phenylalanine.
Molecular consequence: missense variant. On other transcripts: non-coding transcript variant (4).
Genome position (GRCh38, 1-based): chr10:3,140,811, G>A on the plus strand (C>T on the coding strand, the complement: PITRM1 is on the minus strand). VCF-style: chr10-3140811-G-A. GRCh37 (hg19) VCF-style: chr10-3183003-G-A.
Other names: c.2650C>T, p.Leu884Phe (NM_001242307.2); c.2353C>T, p.Leu785Phe (NM_001242309.1); c.2449C>T, p.Leu817Phe (NM_001347725.2); c.1834C>T, p.Leu612Phe (NM_001347726.2); c.2032C>T, p.Leu678Phe (NM_001347727.2); c.1342C>T, p.Leu448Phe (NM_001347728.2); c.2623C>T, p.Leu875Phe (NM_001347729.1); c.2425C>T, p.Leu809Phe (NM_001347730.1); short protein forms L448F, L785F, L809F, L875F, L678F, L884F, L612F, L817F.
Identifiers: ClinVar variation 684532 (VCV000684532.34), dbSNP rs71477812, ClinGen allele CA5387259.
Genomic context (GRCh38, chr10:3,140,811, plus strand): 5'-CTTTTTCTCGAATTTCTGTATGCAAGAATTTGGCAGTCATCAAACGTGCAAGGATTTTAA[G>A]ACTGAAATGATTAAAAAATGCAAGTTAATACCGTGGCTGATAAAAAAGCATAGACAATGA-3'
Protein context (NP_055704.2, residues 873-893): VPYTDPDHAS[Leu883Phe]KILARLMTAK

ClinVar aggregate classification (germline): Benign/Likely benign. Review status: criteria provided, multiple submitters, no conflicts (2 of 4 stars). 4 submissions from 4 submitters: Benign (2); Likely benign (1). 1 of the submissions does not count toward it. Last evaluated 2026-09-01.

Conditions:
PITRM1-related disorder. Also called: PITRM1-related condition.

Allele frequency attached by ClinVar (database versions not stated): 1000 Genomes Project 30x 0.00375; 1000 Genomes Project 0.00419; TOPMed 0.00608; ESP Exome Variant Server 0.00724; gnomAD exomes 0.00759; ExAC 0.01196.
gnomAD v4.1: 13,088 of 1,575,590 alleles (0.83%); highest among the groups gnomAD compares: Non-Finnish European, 0.89%; 67 homozygotes.

Submissions (4):

CeGaT Center for Human Genetics Tuebingen
Classification: Likely benign. Last evaluated: 2026-09-01. Review status: criteria provided, single submitter. Criteria: CeGaT Center For Human Genetics Tuebingen Variant Classification Criteria Version 2. Collection method: clinical testing. Allele origin: germline. Affected: yes. Observed: 34 variant alleles.
Comment: PITRM1: BS2

Labcorp Genetics (formerly Invitae), Labcorp
Classification: Benign. Last evaluated: 2026-01-28. Review status: criteria provided, single submitter. Criteria: Invitae Variant Classification Sherloc (09022015). Collection method: clinical testing. Allele origin: germline.

Breakthrough Genomics
Classification: Benign. Review status: criteria provided, single submitter. Criteria: ACMG Guidelines, 2015. Collection method: not provided. Allele origin: germline. Inheritance: Autosomal recessive inheritance. Affected: yes.

PreventionGenetics, part of Exact Sciences
Classification: Benign for PITRM1-related condition. Last evaluated: 2019-11-04. Review status: no assertion criteria provided. Collection method: clinical testing. Allele origin: germline. Not counted in ClinVar's aggregate classification.
Comment: This variant is classified as benign based on ACMG/AMP sequence variant interpretation guidelines (Richards et al. 2015 PMID: 25741868, with internal and published modifications).